The following is an entry in ClinVar:

NM_014844.5(TECPR2):c.2752+8C>T

Gene: TECPR2 (tectonin beta-propeller repeat containing 2; plus strand). Cytogenetic location: 14q32.31.
Variant type: single nucleotide variant.
Coding change: c.2752+8C>T on transcript NM_014844.5 (MANE Select); 8 bases into the intron after coding-DNA position 2752, C replaced by T.
Molecular consequence: intron variant.
Genome position (GRCh38, 1-based): chr14:102,440,617, C>T. VCF-style: chr14-102440617-C-T. GRCh37 (hg19) VCF-style: chr14-102906954-C-T.
Other names: c.2752+8C>T (NM_001172631.3).
Identifiers: ClinVar variation 1131411 (VCV001131411.33), dbSNP rs774960200, ClinGen allele CA7358025.

ClinVar aggregate classification (germline): Likely benign. Review status: criteria provided, multiple submitters, no conflicts (2 of 4 stars). 2 submissions from 2 submitters: Likely benign (2). Last evaluated 2025-12-23.

Conditions:
Hereditary spastic paraplegia 49 (HSAN9). Also called: NEUROPATHY, HEREDITARY SENSORY AND AUTONOMIC, TYPE IX, WITH DEVELOPMENTAL DELAY; TECPR2-Related Hereditary Sensory and Autonomic Neuropathy with Intellectual Disability; Spastic paraplegia 49, autosomal recessive. Identifiers: Orphanet 320385, MedGen C5190860, MONDO:0014016, OMIM 615031.

Allele frequency attached by ClinVar (database versions not stated): TOPMed 0.00002; gnomAD 0.00003; ExAC 0.00004; gnomAD exomes 0.00006.
gnomAD v4.1: 85 of 1,611,424 alleles (0.0053%); highest among the groups gnomAD compares: Non-Finnish European, 0.0069%; no homozygotes.

Submissions (2):

Labcorp Genetics (formerly Invitae), Labcorp
Classification: Likely benign for Hereditary spastic paraplegia 49. Last evaluated: 2025-12-23. Review status: criteria provided, single submitter. Criteria: Invitae Variant Classification Sherloc (09022015). Collection method: clinical testing. Allele origin: germline.

CeGaT Center for Human Genetics Tuebingen
Classification: Likely benign. Last evaluated: 2022-10-01. Review status: criteria provided, single submitter. Criteria: CeGaT Center For Human Genetics Tuebingen Variant Classification Criteria Version 2. Collection method: clinical testing. Allele origin: germline. Affected: yes. Observed: 1 variant allele.
Comment: TECPR2: BP4